The following is an entry in ClinVar:

ClinVar aggregate classification (germline): Uncertain significance (1 of 4 stars; one submission).

Conditions:
Autosomal recessive limb-girdle muscular dystrophy type 2O. Also called: Limb-Girdle Muscular Dystrophy Type 3C; MUSCULAR DYSTROPHY-DYSTROGLYCANOPATHY (LIMB-GIRDLE), TYPE C, 3; MUSCULAR DYSTROPHY-DYSTROGLYCANOPATHY, LIMB-GIRDLE, POMGNT1-RELATED. Identifiers: Orphanet 206564, MedGen C3150417, MONDO:0013161, OMIM 613157.
Muscular dystrophy-dystroglycanopathy (congenital with impaired intellectual development), type B, 3. Also called: MUSCULAR DYSTROPHY, CONGENITAL, POMGNT1-RELATED; Muscular dystrophy-dystroglycanopathy (congenital with intellectual disability), type B3. Identifiers: MedGen C3150412, MONDO:0013155, OMIM 613151.

Submission:

Labcorp Genetics (formerly Invitae), Labcorp
Classification: Uncertain significance for Autosomal recessive limb-girdle muscular dystrophy type 2O; Muscular dystrophy-dystroglycanopathy (congenital with impaired intellectual development), type B, 3. Last evaluated: 2023-09-19. Review status: criteria provided, single submitter. Criteria: Invitae Variant Classification Sherloc (09022015). Collection method: clinical testing. Allele origin: germline.
Comment: This sequence change replaces leucine, which is neutral and non-polar, with phenylalanine, which is neutral and non-polar, at codon 530 of the POMGNT1 protein (p.Leu530Phe). This variant is not present in population databases (gnomAD no frequency). This variant has not been reported in the literature in individuals affected with POMGNT1-related conditions. Advanced modeling of protein sequence and biophysical properties (such as structural, functional, and spatial information, amino acid conservation, physicochemical variation, residue mobility, and thermodynamic stability) performed at Invitae indicates that this missense variant is not expected to disrupt POMGNT1 protein function. In summary, the available evidence is currently insufficient to determine the role of this variant in disease. Therefore, it has been classified as a Variant of Uncertain Significance.

NM_017739.4(POMGNT1):c.1588C>T (p.Leu530Phe)

Genes: POMGNT1 (protein O-linked mannose N-acetylglucosaminyltransferase 1 (beta 1,2-); minus strand), TSPAN1 (tetraspanin 1; plus strand). Cytogenetic location: 1p34.1.
Variant type: single nucleotide variant.
Coding change: c.1588C>T on transcript NM_017739.4 (MANE Select); coding-DNA position 1588, C replaced by T.
Protein change: p.Leu530Phe; replaces leucine 530 with phenylalanine.
Molecular consequence: missense variant.
Genome position (GRCh38, 1-based): chr1:46,190,736, G>A on the plus strand (C>T on the coding strand, the complement: POMGNT1 is on the minus strand). VCF-style: chr1-46190736-G-A. GRCh37 (hg19) VCF-style: chr1-46656408-G-A.
Other names: c.1588C>T, p.Leu530Phe (NM_001243766.2, NM_001410783.1); c.1522C>T, p.Leu508Phe (NM_001290129.3); c.1159C>T, p.Leu387Phe (NM_001290130.2); short protein forms L387F, L530F, L508F.
Identifiers: ClinVar variation 2926015 (VCV002926015.3), dbSNP rs1350938422, ClinGen allele CA340172403.
Genomic context (GRCh38, chr1:46,190,736, plus strand): 5'-AAATCTCCTAGATATCCACCCCTTGCCCTGCTGCCAGCCCCAACCTGTCCACATTCCTGA[G>A]CTGGACACCTGGAACCGTGTTGAACTTGTGCTTCTTGAAGTAGGCCTCCTGGAGTGGGTA-3'
Protein context (NP_060209.4, residues 520-540): HKFNTVPGVQ[Leu530Phe]RNVDSLKKEA